The following is an entry in ClinVar:

ClinVar aggregate classification (germline): Uncertain significance (1 of 4 stars; one submission).

Submission:

GeneDx
Classification: Uncertain significance. Last evaluated: 2019-11-25. Review status: criteria provided, single submitter. Criteria: GeneDx Variant Classification Process June 2021. Collection method: clinical testing. Allele origin: germline. Affected: yes.
Comment: Not observed in large population cohorts (Lek et al., 2016); In silico analysis, which includes protein predictors and evolutionary conservation, supports a deleterious effect; Has not been previously published as pathogenic or benign to our knowledge

NM_006922.4(SCN3A):c.2702T>A (p.Met901Lys)

Gene: SCN3A (sodium voltage-gated channel alpha subunit 3; minus strand). Cytogenetic location: 2q24.3.
Variant type: single nucleotide variant.
Coding change: c.2702T>A on transcript NM_006922.4 (MANE Select); coding-DNA position 2702, T replaced by A.
Protein change: p.Met901Lys; replaces methionine 901 with lysine.
Molecular consequence: missense variant.
Genome position (GRCh38, 1-based): chr2:165,130,160, A>T on the plus strand (T>A on the coding strand, the complement: SCN3A is on the minus strand). VCF-style: chr2-165130160-A-T. GRCh37 (hg19) VCF-style: chr2-165986670-A-T.
Other names: c.2555T>A, p.Met852Lys (NM_001081676.2, NM_001081677.2); short protein forms M852K, M901K.
Identifiers: ClinVar variation 1310309 (VCV001310309.2), dbSNP rs983605439, ClinGen allele CA349042733.